The following is an entry in ClinVar:

NM_000350.3(ABCA4):c.6161G>T (p.Ser2054Ile)

Gene: ABCA4 (ATP binding cassette subfamily A member 4; minus strand). Cytogenetic location: 1p22.1.
Variant type: single nucleotide variant.
Coding change: c.6161G>T on transcript NM_000350.3 (MANE Select); coding-DNA position 6161, G replaced by T.
Protein change: p.Ser2054Ile; replaces serine 2054 with isoleucine.
Molecular consequence: missense variant.
Genome position (GRCh38, 1-based): chr1:94,001,979, C>A on the plus strand (G>T on the coding strand, the complement: ABCA4 is on the minus strand). VCF-style: chr1-94001979-C-A. GRCh37 (hg19) VCF-style: chr1-94467535-C-A.
Other names: c.5939G>T, p.Ser1980Ile (NM_001425324.1); short protein forms S2054I, S1980I.
Identifiers: ClinVar variation 1966191 (VCV001966191.5), dbSNP rs2523628381, ClinGen allele CA341278369.
Genomic context (GRCh38, chr1:94,001,979, plus strand): 5'-CCCCCACTGTACGTGCCAGCCAGGCAGTCGGCGTAGACAGTCAGGCCCAGGCTCTTAATA[C>A]TCCAGTTTGCAACCTAGGGAAGAGAAAGAAATGCCATTTGGAGAAGACAAGCAAACACCC-3'
Protein context (NP_000341.2, residues 2044-2064): AEEIEKVANW[Ser2054Ile]IKSLGLTVYA

ClinVar aggregate classification (germline): Uncertain significance (1 of 4 stars; one submission).

Allele frequency attached by ClinVar (database versions not stated): gnomAD exomes below 0.00001.
gnomAD v4.1: 4 of 1,614,186 alleles (0.00025%); highest among the groups gnomAD compares: Non-Finnish European, 0.00017%; no homozygotes.

Submission:

Labcorp Genetics (formerly Invitae), Labcorp
Classification: Uncertain significance. Last evaluated: 2022-04-23. Review status: criteria provided, single submitter. Criteria: Invitae Variant Classification Sherloc (09022015). Collection method: clinical testing. Allele origin: germline.
Comment: In summary, the available evidence is currently insufficient to determine the role of this variant in disease. Therefore, it has been classified as a Variant of Uncertain Significance. Algorithms developed to predict the effect of missense changes on protein structure and function are either unavailable or do not agree on the potential impact of this missense change (SIFT: "Tolerated"; PolyPhen-2: "Possibly Damaging"; Align-GVGD: "Class C25"). This variant has not been reported in the literature in individuals affected with ABCA4-related conditions. This variant is not present in population databases (gnomAD no frequency). This sequence change replaces serine, which is neutral and polar, with isoleucine, which is neutral and non-polar, at codon 2054 of the ABCA4 protein (p.Ser2054Ile).